The following is an entry in ClinVar:

ClinVar aggregate classification (germline): Conflicting classifications of pathogenicity. Review status: criteria provided, conflicting classifications (1 of 4 stars). 2 submissions from 2 submitters: Uncertain significance (1); Likely benign (1). Last evaluated 2024-08-08.

Conditions:
Primary ciliary dyskinesia. Also called: Ciliary dyskinesia. Identifiers: Orphanet 244, MedGen C0008780, MONDO:0016575, HP:0012265.

Submissions (2):

Blueprint Genetics
Classification: Likely benign. Last evaluated: 2024-08-08. Review status: criteria provided, single submitter. Criteria: ACMG Guidelines, 2015. Collection method: clinical testing. Allele origin: germline.

Labcorp Genetics (formerly Invitae), Labcorp
Classification: Uncertain significance for Primary ciliary dyskinesia. Last evaluated: 2024-07-06. Review status: criteria provided, single submitter. Criteria: Invitae Variant Classification Sherloc (09022015). Collection method: clinical testing. Allele origin: germline.
Comment: This variant, c.2988_2999dup, results in the insertion of 4 amino acid(s) of the RPGR (ORF15) protein (p.Glu1001_Glu1004dup), but otherwise preserves the integrity of the reading frame. This variant is not present in population databases (gnomAD no frequency). This variant has not been reported in the literature in individuals affected with RPGR (ORF15)-related conditions. In summary, the available evidence is currently insufficient to determine the role of this variant in disease. Therefore, it has been classified as a Variant of Uncertain Significance.

NM_001034853.2(RPGR):c.2988_2999dup (p.Glu1004_Gly1005insGluGluGlyGlu)

Gene: RPGR (retinitis pigmentosa GTPase regulator; minus strand). Cytogenetic location: Xp11.4.
Variant type: Duplication.
Coding change: c.2988_2999dup on transcript NM_001034853.2 (MANE Select); coding-DNA positions 2988 to 2999, 12 bases duplicated (AGAAGAAGGGGA).
Protein change: p.Glu1004_Gly1005insGluGluGlyGlu.
Molecular consequence: inframe insertion. On other transcripts: intron variant (8).
Genome position (GRCh38, 1-based): chrX:38,286,000-38,286,011, TCCCCTTCTTCT duplicated on the plus strand (AGAAGAAGGGGA on the coding strand, the reverse complement: RPGR is on the minus strand); duplicating any 12 consecutive bases within chrX:38,286,000-38,286,019 gives the same sequence; the c. name uses the placement nearest the transcript's 3' end. VCF-style (leftmost placement, unchanged base first): chrX-38285999-C-CTCCCCTTCTTCT. GRCh37 (hg19) VCF-style: chrX-38145252-C-CTCCCCTTCTTCT.
Other names: c.1569+4948_1569+4959dup (NM_001367249.1, NM_001367250.1); c.1902+1083_1902+1094dup (NM_001367245.1); c.1386+4948_1386+4959dup (NM_001367251.1); c.1719+1083_1719+1094dup (NM_001367246.1); c.1572+4948_1572+4959dup (NM_001367247.1); c.1905+1083_1905+1094dup (NM_000328.3); c.1602+4948_1602+4959dup (NM_001367248.1).
Identifiers: ClinVar variation 2731846 (VCV002731846.4), dbSNP rs2519783552, ClinGen allele CA2693438895.
Genomic context (GRCh38, chrX:38,285,999, plus strand): 5'-TTCCCCTTCCTCTTCTTCCTCCCCTTCTCCCTCCCCTTCTTCCTCTCCCTCTCCTTCTTC[C>CTCCCCTTCTTCT]TCCCCTTCTTCTTCCCCTTCCTCCTCTTCCCCCTCCCCTTCTCCTTCCTCCTCTTCCCCC-3'